The following is an entry in ClinVar:

NM_007194.4(CHEK2):c.661A>G (p.Ile221Val)

Gene: CHEK2 (checkpoint kinase 2; minus strand). Cytogenetic location: 22q12.1.
Variant type: single nucleotide variant.
Coding change: c.661A>G on transcript NM_007194.4 (MANE Select); coding-DNA position 661, A replaced by G.
Protein change: p.Ile221Val; replaces isoleucine 221 with valine.
Molecular consequence: missense variant. On other transcripts: 5 prime UTR variant (2), intron variant (1).
Genome position (GRCh38, 1-based): chr22:28,719,417, T>C on the plus strand (A>G on the coding strand, the complement: CHEK2 is on the minus strand). VCF-style: chr22-28719417-T-C. GRCh37 (hg19) VCF-style: chr22-29115405-T-C.
Other names: c.790A>G, p.Ile264Val (NM_001005735.3, NM_001438294.1); c.-3A>G (NM_001257387.3, NM_001437942.1); c.754A>G, p.Ile252Val (NM_001438293.1, NM_001438295.1); c.661A>G, p.Ile221Val (NM_145862.3); c.482+5469A>G (NM_001349956.3); short protein forms I221V, I264V, I252V.
Identifiers: ClinVar variation 140835 (VCV000140835.53), dbSNP rs199749372, ClinGen allele CA163697.
Genomic context (GRCh38, chr22:28,719,417, plus strand): 5'-GAAAAAATTAAGTGCATTTATATAAGAAAATAATTTACCTTCCAAGAGTTTTTGACATGA[T>C]GTATTCATCTCTTAATGCCTTAGGATAAACTGACTGATCATCTACAGTCAGATCAAAAAA-3'
Protein context (NP_009125.1, residues 211-231): VYPKALRDEY[Ile221Val]MSKTLGSGAC

ClinVar aggregate classification (germline): Conflicting classifications of pathogenicity. Review status: criteria provided, conflicting classifications (1 of 4 stars). 9 submissions from 9 submitters: Uncertain significance (8); Likely benign (1). Last evaluated 2026-01-26.

Conditions:
CHEK2-related disorder.
Hereditary cancer-predisposing syndrome. Also called: Tumor predisposition; Hereditary neoplastic syndrome; Hereditary Cancer Syndrome; Neoplastic Syndromes, Hereditary. Identifiers: Orphanet 140162, MedGen C0027672, MeSH D009386, MONDO:0015356.
Familial cancer of breast. Also called: Hereditary breast cancer; hereditary breast carcinoma; BREAST CANCER, FAMILIAL. Identifiers: Orphanet 227535, MedGen C0346153, MONDO:0016419, OMIM 114480. Disease mechanism: loss of function.

Allele frequency attached by ClinVar (database versions not stated): gnomAD 0.00001 and 0.00002; gnomAD exomes 0.00001; TOPMed 0.00002; ExAC 0.00005; ESP Exome Variant Server 0.00008; 1000 Genomes Project 0.00020; 1000 Genomes Project 30x 0.00031.
gnomAD v4.1: 18 of 1,591,400 alleles (0.0011%); highest among the groups gnomAD compares: East Asian, 0.0022%; no homozygotes.

Submissions (9):

Labcorp Genetics (formerly Invitae), Labcorp
Classification: Uncertain significance for Familial cancer of breast. Last evaluated: 2026-01-26. Review status: criteria provided, single submitter. Criteria: Invitae Variant Classification Sherloc (09022015). Collection method: clinical testing. Allele origin: germline.
Comment: This sequence change replaces isoleucine, which is neutral and non-polar, with valine, which is neutral and non-polar, at codon 221 of the CHEK2 protein (p.Ile221Val). The frequency data for this variant in the population databases is considered unreliable, as metrics indicate poor data quality at this position in the gnomAD database. This missense change has been observed in individual(s) with breast cancer, colorectal cancer, and/or prostate cancer (PMID: 27978560, 28779002, 28944238, 31206626, 32832836). ClinVar contains an entry for this variant (Variation ID: 140835). An algorithm developed to predict the effect of missense changes on protein structure and function (PolyPhen-2) suggests that this variant is likely to be tolerated. Experimental studies are conflicting or provide insufficient evidence to determine the effect of this variant on CHEK2 function (PMID: 30851065, 37449874). In summary, the available evidence is currently insufficient to determine the role of this variant in disease. Therefore, it has been classified as a Variant of Uncertain Significance.

Ambry Genetics
Classification: Uncertain significance for Hereditary cancer-predisposing syndrome. Last evaluated: 2025-09-11. Review status: criteria provided, single submitter. Criteria: Ambry Variant Classification Scheme 2023. Collection method: clinical testing. Allele origin: germline.
Comment: The p.I221V variant (also known as c.661A>G), located in coding exon 4 of the CHEK2 gene, results from an A to G substitution at nucleotide position 661. The isoleucine at codon 221 is replaced by valine, an amino acid with highly similar properties. This alteration behaved as functional in an in vivo, yeast-based growth rate assay (Delimitsou A et al. Hum Mutat, 2019 05;40:631-648). In another functional study assessing CHEK2-complementation in human RPE1-CHEK2-knockout cells, this alteration was reported as functional through quantification of CHK2 autophosphorylation but intermediate in KAP1 phosphorylation (Stolarova L et al. Clin Cancer Res, 2023 Aug;29:3037-3050). This amino acid position is well conserved in available vertebrate species. In addition, this alteration is predicted to be tolerated by in silico analysis. Based on the available evidence, the clinical significance of this variant remains unclear.

Quest Diagnostics Nichols Institute San Juan Capistrano
Classification: Uncertain significance. Last evaluated: 2025-07-23. Review status: criteria provided, single submitter. Criteria: Quest Diagnostics criteria. Collection method: clinical testing. Allele origin: unknown.
Comment: The CHEK2 c.661A>G (p.Ile221Val) variant has been reported in the published literature in individuals with a personal and/or family history of breast and/or ovarian cancer (PMID: 39907309 (2025), 33471991 (2021), 31206626 (2019), 28779002 (2017), see also LOVD), colorectal cancer (PMID: 28944238 (2017), 27978560 (2016)), and in reportedly unaffected individuals (PMID: 33471991 (2021), see also LOVD). Functional studies demonstrated that this variant was not damaging to CHEK2 protein function (PMID: 37449874 (2023), 30851065 (2019)). The frequency of this variant in the general population (Genome Aggregation Database) is uninformative in the assessment of its pathogenicity. Analysis of this variant using bioinformatics tools for the prediction of the effect of amino acid changes on protein structure and function yielded predictions that this variant is benign. Based on the available information, we are unable to determine the clinical significance of this variant.

Color Diagnostics, LLC DBA Color Health
Classification: Uncertain significance for Hereditary cancer-predisposing syndrome. Last evaluated: 2025-03-17. Review status: criteria provided, single submitter. Criteria: ACMG Guidelines, 2015. Collection method: clinical testing. Allele origin: germline.
Comment: This missense variant replaces isoleucine with valine at codon 221 of the CHEK2 protein. Computational prediction suggests that this variant may not impact protein structure and function. Functional studies have shown this variant to have a neutral effect on CHEK2 DNA damage repair activity in a yeast complementation assay (PMID: 30851065), and intermediate impact on KAP1 phosphorylation and neutral impact CHEK2 autophosphorylation in a mammalian cell complementation assay (PMID: 37449874). This variant has been reported in an individual affected with colorectal cancer (PMID: 27978560). In a large breast cancer case-control meta-analysis, this variant was reported in 4/73048 cases and 2/88658 unaffected controls (PMID: 37449874). This variant has been identified in 4/260646 chromosomes in the general population by the Genome Aggregation Database (gnomAD). The available evidence is insufficient to determine the role of this variant in disease conclusively. Therefore, this variant is classified as a Variant of Uncertain Significance.

CeGaT Center for Human Genetics Tuebingen
Classification: Likely benign. Last evaluated: 2024-02-01. Review status: criteria provided, single submitter. Criteria: CeGaT Center For Human Genetics Tuebingen Variant Classification Criteria Version 2. Collection method: clinical testing. Allele origin: germline. Affected: yes. Observed: 1 variant allele.
Comment: CHEK2: BP1, BP4, BS3:Supporting

Baylor Genetics
Classification: Uncertain significance for Familial cancer of breast. Last evaluated: 2024-01-19. Review status: criteria provided, single submitter. Criteria: ACMG Guidelines, 2015. Collection method: clinical testing. Allele origin: unknown.

PreventionGenetics, part of Exact Sciences
Classification: Uncertain significance for CHEK2-related condition. Last evaluated: 2023-06-01. Review status: criteria provided, single submitter. Criteria: ACMG Guidelines, 2015. Collection method: clinical testing. Allele origin: germline.
Comment: The CHEK2 c.661A>G variant is predicted to result in the amino acid substitution p.Ile221Val. This variant has been reported in an individual with colorectal cancer and in a breast cancer cohort study (eTable 2, Pearlman et al. 2017. PubMed ID: 27978560; Table S5, Decker et al. 2017. PubMed ID: 28779002). Experimental studies using a yeast-based assay suggest this variant is benign (Table 1, Delimitsou et al. 2019. PubMed ID: 30851065). This variant is reported in 0.0031% of alleles in individuals of Latino descent in gnomAD. It is interpreted as uncertain significance in ClinVar. At this time, the clinical significance of this variant is uncertain due to the absence of conclusive functional and genetic evidence.

GeneDx
Classification: Uncertain significance. Last evaluated: 2022-07-18. Review status: criteria provided, single submitter. Criteria: GeneDx Variant Classification Process June 2021. Collection method: clinical testing. Allele origin: germline. Affected: yes.
Comment: Published functional study demonstrates no damaging effect: normal cell growth after MMS-induced DNA damage (Delimitsou et al., 2019); Not observed at significant frequency in large population cohorts (gnomAD); In silico analysis supports that this missense variant does not alter protein structure/function; Also known as c.790A>G, p.Ile264Val; This variant is associated with the following publications: (PMID: 27978560, 31398194, 31241222, 31106920, 30851065, 19782031, 22419737, 29769011)

ARUP Laboratories, Molecular Genetics and Genomics, ARUP Laboratories
Classification: Uncertain significance. Last evaluated: 2018-04-26. Review status: criteria provided, single submitter. Criteria: ARUP Molecular Germline Variant Investigation Process. Collection method: clinical testing. Allele origin: germline.
Comment: The CHEK2 c.661A>G; p.Ile221Val variant (rs199749372), to our knowledge, is not reported in the medical literature but is reported by multiple laboratories in ClinVar (Variation ID: 140835). This variant is found in the general population with an overall allele frequency of 0.003% (1/30956 alleles) in the Genome Aggregation Database. The isoleucine at codon 221 is moderately conserved but computational analyses (SIFT, PolyPhen-2) predict that this variant is tolerated. However, given the lack of clinical and functional data, the significance of the p.Ile221Val variant is uncertain at this time.

Literature cited by the submitters: PubMed 27978560 (cited by 4 submitters); PubMed 28779002 (cited by 3 submitters); PubMed 28944238 (cited by 3 submitters); PubMed 31206626 (cited by 3 submitters); PubMed 32832836 (cited by 3 submitters); PubMed 30851065 (cited by 4 submitters); PubMed 37449874 (cited by 4 submitters); PubMed 33471991 (cited by Ambry Genetics and Quest Diagnostics Nichols Institute San Juan Capistrano); PubMed 39907309 (cited by Quest Diagnostics Nichols Institute San Juan Capistrano).